The following is an entry in ClinVar:

ClinVar aggregate classification (germline): Uncertain significance (1 of 4 stars; one submission).

Submission:

CeGaT Center for Human Genetics Tuebingen
Classification: Uncertain significance. Last evaluated: 2026-08-01. Review status: criteria provided, single submitter. Criteria: CeGaT Center For Human Genetics Tuebingen Variant Classification Criteria Version 2. Collection method: clinical testing. Allele origin: germline. Affected: yes. Observed: 1 variant allele.
Comment: DDB1: PM2

NM_001923.5(DDB1):c.583G>A (p.Val195Met)

Gene: DDB1 (damage specific DNA binding protein 1; minus strand). Cytogenetic location: 11q12.2.
Variant type: single nucleotide variant.
Coding change: c.583G>A on transcript NM_001923.5 (MANE Select); coding-DNA position 583, G replaced by A.
Protein change: p.Val195Met; replaces valine 195 with methionine.
Molecular consequence: missense variant.
Genome position (GRCh38, 1-based): chr11:61,326,860, C>T on the plus strand (G>A on the coding strand, the complement: DDB1 is on the minus strand). VCF-style: chr11-61326860-C-T. GRCh37 (hg19) VCF-style: chr11-61094332-C-T.
Other names: short protein forms V195M.
Identifiers: ClinVar variation 5039775 (VCV005039775.1).
Genomic context (GRCh38, chr11:61,326,860, plus strand): 5'-CAGCTTCGACATTTTCCTGTTTCCAAGGGCCCTTATTGAATTCCTTTTCTCGGAGAGACA[C>T]CTCATAGGTTTTTACGTGCCGCCCCTGAGGGTCCTGGGGGGGAAAGGTAAAATGGTTAGC-3'
Protein context (NP_001914.3, residues 185-205): PQGRHVKTYE[Val195Met]SLREKEFNKG